The following is an entry in ClinVar:

NM_006079.5(CITED2):c.74C>T (p.Ala25Val)

Gene: CITED2 (Cbp/p300 interacting transactivator with Glu/Asp rich carboxy-terminal domain 2; minus strand). Cytogenetic location: 6q24.1.
Variant type: single nucleotide variant.
Coding change: c.74C>T on transcript NM_006079.5 (MANE Select); coding-DNA position 74, C replaced by T.
Protein change: p.Ala25Val; replaces alanine 25 with valine.
Molecular consequence: missense variant.
Genome position (GRCh38, 1-based): chr6:139,373,871, G>A on the plus strand (C>T on the coding strand, the complement: CITED2 is on the minus strand). VCF-style: chr6-139373871-G-A. GRCh37 (hg19) VCF-style: chr6-139695008-G-A.
Other names: c.74C>T, p.Ala25Val (NM_001168388.3); c.89C>T, p.Ala30Val (NM_001168389.3); c.74C>T (NM_006079.3); short protein forms A25V, A30V.
Identifiers: ClinVar variation 453201 (VCV000453201.3), dbSNP rs1554233859, ClinGen allele CA365878074.
Genomic context (GRCh38, chr6:139,373,871, plus strand): 5'-TGGGGCTGCTGCTGCTGGTGGTGATGGGGGCTCGGGAACTGCCCCATGCCCATGCGGTGG[G>A]CAGGGTGATGGTGCAGCCCATTGGTGCCGTCGGGGAAGCGCCCGTGGTTCATGGCCATCA-3'
Protein context (NP_006070.2, residues 15-35): DGTNGLHHHP[Ala25Val]HRMGMGQFPS

ClinVar aggregate classification (germline): Uncertain significance. Review status: criteria provided, multiple submitters, no conflicts (2 of 4 stars). 2 submissions from 2 submitters: Uncertain significance (2). Last evaluated 2025-10-28.

Conditions:
Inborn genetic diseases. Identifiers: MedGen C0950123, MeSH D030342.

Allele frequency attached by ClinVar (database versions not stated): gnomAD 0.00001.

Submissions (2):

Ambry Genetics
Classification: Uncertain significance for Inborn genetic diseases. Last evaluated: 2025-10-28. Review status: criteria provided, single submitter. Criteria: Ambry Variant Classification Scheme 2023. Collection method: clinical testing. Allele origin: germline.

GeneDx
Classification: Uncertain significance. Last evaluated: 2017-11-07. Review status: criteria provided, single submitter. Criteria: GeneDx Variant Classification (06012015). Collection method: clinical testing. Allele origin: germline. Affected: yes.
Comment: The A25V variant in the CITED2 gene has not been reported previously as a pathogenic variant, nor as a benign variant, to our knowledge. The A25V variant is not observed in large population cohorts (Lek et al., 2016). The A25V variant is a conservative amino acid substitution, which occurs at a position where amino acids with similar properties to Alanine are tolerated across species. In silico analysis is inconsistent in its predictions as to whether or not the variant is damaging to the protein structure/function. We interpret A25V as a variant of uncertain significance